The following is an entry in ClinVar:

NM_152618.3(BBS12):c.10G>A (p.Ala4Thr)

Gene: BBS12 (Bardet-Biedl syndrome 12; plus strand). Cytogenetic location: 4q27.
Variant type: single nucleotide variant.
Coding change: c.10G>A on transcript NM_152618.3 (MANE Select); coding-DNA position 10, G replaced by A.
Protein change: p.Ala4Thr; replaces alanine 4 with threonine.
Molecular consequence: missense variant.
Genome position (GRCh38, 1-based): chr4:122,741,902, G>A. VCF-style: chr4-122741902-G-A. GRCh37 (hg19) VCF-style: chr4-123663057-G-A.
Other names: c.10G>A, p.Ala4Thr (NM_001178007.2); short protein forms A4T.
Identifiers: ClinVar variation 5001617 (VCV005001617.1).

ClinVar aggregate classification (germline): Uncertain significance (1 of 4 stars; one submission).

Conditions:
BBS12-related disorder. Also called: BBS12-related condition.

gnomAD v4.1: 2 of 1,613,910 alleles (0.00012%); highest among the groups gnomAD compares: African/African-American, 0.0013%; no homozygotes.

Submission:

PreventionGenetics, part of Exact Sciences
Classification: Uncertain significance for BBS12-related condition. Last evaluated: 2025-12-03. Review status: criteria provided, single submitter. Criteria: ACMG Guidelines, 2015. Collection method: clinical testing. Allele origin: germline.
Comment: The BBS12 c.10G>A variant is predicted to result in the amino acid substitution p.Ala4Thr. To our knowledge, this variant has not been reported in the literature. This variant is reported in 0.011% of alleles in individuals of African descent in gnomAD. At this time, the clinical significance of this variant is uncertain due to the absence of conclusive functional and genetic evidence.